The following is an entry in ClinVar:

NM_004960.3(FUS):c.*910C>T

Gene: FUS (FUS DNA/RNA binding protein; plus strand). Cytogenetic location: 16p11.2.
Variant type: single nucleotide variant.
Coding change: c.*910C>T on transcript NM_004960.3; 910 bases downstream of the stop codon, C replaced by T.
Molecular consequence: 3 prime UTR variant (on NM_001170634.1). On other transcripts: non-coding transcript variant (1).
Genome position (GRCh38, 1-based): chr16:31,192,348, C>T. VCF-style: chr16-31192348-C-T. GRCh37 (hg19) VCF-style: chr16-31203669-C-T.
Other names: c.*910C>T (NM_001170634.1, NM_001170937.1).
Identifiers: ClinVar variation 319006 (VCV000319006.7), dbSNP rs118018900, ClinGen allele CA8024217.
Genomic context (GRCh38, chr16:31,192,348, plus strand): 5'-TGATAAGAGGGGGAAGGGGTTGCAGCCAATGAGTTAAAACCTTAGAGCAGTGCTCCTCAG[C>T]CTCTTACCATGTGGTTGTAAACTTGCACGTACCTGCCAACCAGTTATTTAGCATGCTTTT-3'

ClinVar aggregate classification (germline): Benign (1 of 4 stars; one submission).

Conditions:
Amyotrophic lateral sclerosis type 6. Also called: FUS-Related Amyotrophic Laterial Sclerosis; AMYOTROPHIC LATERAL SCLEROSIS 6 WITHOUT FRONTOTEMPORAL DEMENTIA; Amyotrophic lateral sclerosis 6, with or without frontotemporal dementia. Identifiers: Orphanet 275872, Orphanet 803, MedGen C2931786, MONDO:0011951, OMIM 608030.

Allele frequency attached by ClinVar (database versions not stated): gnomAD 0.02606 and 0.02648; gnomAD exomes 0.03383 and 0.03520; 1000 Genomes Project 30x 0.01593; TOPMed 0.02469; 1000 Genomes Project 0.01597; ExAC 0.04772.
gnomAD v4.1: 17,265 of 526,206 alleles (3.3%); highest among the groups gnomAD compares: Middle Eastern, 6.8%; 414 homozygotes.

Submission:

Illumina Laboratory Services, Illumina
Classification: Benign for Amyotrophic lateral sclerosis type 6. Last evaluated: 2018-01-13. Review status: criteria provided, single submitter. Criteria: ICSL Variant Classification Criteria 13 December 2019. Collection method: clinical testing. Allele origin: germline.
Comment: This variant was observed in the ICSL laboratory as part of a predisposition screen in an ostensibly healthy population. It had not been previously curated by ICSL or reported in the Human Gene Mutation Database (HGMD: prior to June 1st, 2018), and was therefore a candidate for classification through an automated scoring system. Utilizing variant allele frequency, disease prevalence and penetrance estimates, and inheritance mode, an automated score was calculated to assess if this variant is too frequent to cause the disease. Based on the score and internal cut-off values, a variant classified as benign is not then subjected to further curation. The score for this variant resulted in a classification of benign for this disease.